The following is an entry in ClinVar:

NM_005142.3(CBLIF):c.497C>T (p.Ser166Phe)

Gene: CBLIF (cobalamin binding intrinsic factor; minus strand). Cytogenetic location: 11q12.1.
Variant type: single nucleotide variant.
Coding change: c.497C>T on transcript NM_005142.3 (MANE Select); coding-DNA position 497, C replaced by T.
Protein change: p.Ser166Phe; replaces serine 166 with phenylalanine.
Molecular consequence: missense variant.
Genome position (GRCh38, 1-based): chr11:59,842,457, G>A on the plus strand (C>T on the coding strand, the complement: CBLIF is on the minus strand). VCF-style: chr11-59842457-G-A. GRCh37 (hg19) VCF-style: chr11-59609930-G-A.
Other names: short protein forms S166F.
Identifiers: ClinVar variation 618143 (VCV000618143.10), dbSNP rs766117701, ClinGen allele CA6021558.

ClinVar aggregate classification (germline): Uncertain significance. Review status: criteria provided, multiple submitters, no conflicts (2 of 4 stars). 2 submissions from 2 submitters: Uncertain significance (2). Last evaluated 2025-11-20.

Allele frequency attached by ClinVar (database versions not stated): ExAC 0.00005; TOPMed below 0.00001; gnomAD exomes 0.00003.
gnomAD v4.1: 48 of 1,613,776 alleles (0.003%); highest among the groups gnomAD compares: Non-Finnish European, 0.0036%; no homozygotes.

Submissions (2):

Ambry Genetics
Classification: Uncertain significance. Last evaluated: 2025-11-20. Review status: criteria provided, single submitter. Criteria: Ambry Variant Classification Scheme 2023. Collection method: clinical testing. Allele origin: germline.

ARUP Laboratories, Molecular Genetics and Genomics, ARUP Laboratories
Classification: Uncertain significance. Last evaluated: 2018-03-09. Review status: criteria provided, single submitter. Criteria: ARUP Molecular Germline Variant Investigation Process. Collection method: clinical testing. Allele origin: germline.
Comment: The GIF c.497C>T; p.Ser166Phe variant (rs766117701), to our knowledge, is not reported in the medical literature, gene specific variation databases, nor has it been previously identified by our laboratory. This variant is listed in the genome Aggregation Database (gnomAD) with a non-Finnish European population frequency of 0.006% (identified on 7 out of 111,372 chromosomes). The serine at position 166 is highly conserved, considering 12 species, and computational analyses of the effects of the p.Ser166Phe variant on protein structure and function predict a deleterious effect (SIFT: damaging, PolyPhen-2: probably damaging). Based on the available information, the clinical significance of the p.Ser166Phe variant cannot be determined with certainty.